The following is an entry in ClinVar:

ClinVar aggregate classification (germline): Uncertain significance. Review status: criteria provided, multiple submitters, no conflicts (2 of 4 stars). 2 submissions from 2 submitters: Uncertain significance (2). Last evaluated 2024-06-24.

Conditions:
Hereditary cancer-predisposing syndrome. Also called: Tumor predisposition; Hereditary neoplastic syndrome; Neoplastic Syndromes, Hereditary; Hereditary Cancer Syndrome. Identifiers: Orphanet 140162, MedGen C0027672, MeSH D009386, MONDO:0015356.
Familial cancer of breast. Also called: hereditary breast carcinoma; BREAST CANCER, FAMILIAL; Hereditary breast cancer. Identifiers: Orphanet 227535, MedGen C0346153, MONDO:0016419, OMIM 114480. Disease mechanism: loss of function.

Submissions (2):

Ambry Genetics
Classification: Uncertain significance for Hereditary cancer-predisposing syndrome. Last evaluated: 2024-06-24. Review status: criteria provided, single submitter. Criteria: Ambry Variant Classification Scheme 2023. Collection method: clinical testing. Allele origin: germline.
Comment: The p.D234V variant (also known as c.701A>T), located in coding exon 4 of the PALB2 gene, results from an A to T substitution at nucleotide position 701. The aspartic acid at codon 234 is replaced by valine, an amino acid with highly dissimilar properties. This amino acid position is conserved. In addition, this alteration is predicted to be tolerated by in silico analysis. Based on the available evidence, the clinical significance of this variant remains unclear.

Labcorp Genetics (formerly Invitae), Labcorp
Classification: Uncertain significance for Familial cancer of breast. Last evaluated: 2024-04-30. Review status: criteria provided, single submitter. Criteria: Invitae Variant Classification Sherloc (09022015). Collection method: clinical testing. Allele origin: germline.
Comment: This sequence change replaces aspartic acid, which is acidic and polar, with valine, which is neutral and non-polar, at codon 234 of the PALB2 protein (p.Asp234Val). This variant is not present in population databases (gnomAD no frequency). This variant has not been reported in the literature in individuals affected with PALB2-related conditions. ClinVar contains an entry for this variant (Variation ID: 858261). An algorithm developed to predict the effect of missense changes on protein structure and function (PolyPhen-2) suggests that this variant is likely to be disruptive. In summary, the available evidence is currently insufficient to determine the role of this variant in disease. Therefore, it has been classified as a Variant of Uncertain Significance.

NM_024675.4(PALB2):c.701A>T (p.Asp234Val)

Gene: PALB2 (partner and localizer of BRCA2; minus strand). Cytogenetic location: 16p12.2.
Variant type: single nucleotide variant.
Coding change: c.701A>T on transcript NM_024675.4 (MANE Select); coding-DNA position 701, A replaced by T.
Protein change: p.Asp234Val; replaces aspartic acid 234 with valine.
Molecular consequence: missense variant.
Genome position (GRCh38, 1-based): chr16:23,635,845, T>A on the plus strand (A>T on the coding strand, the complement: PALB2 is on the minus strand). VCF-style: chr16-23635845-T-A. GRCh37 (hg19) VCF-style: chr16-23647166-T-A.
Other names: short protein forms D234V.
Identifiers: ClinVar variation 858261 (VCV000858261.11), dbSNP rs1967027890, ClinGen allele CA395136373.